The following is an entry in ClinVar:

ClinVar aggregate classification (germline): Uncertain significance (1 of 4 stars; one submission).

gnomAD v4.1: 1 of 1,613,978 alleles (0.000062%); no homozygotes.

Submission:

Labcorp Genetics (formerly Invitae), Labcorp
Classification: Uncertain significance. Last evaluated: 2022-09-19. Review status: criteria provided, single submitter. Criteria: Invitae Variant Classification Sherloc (09022015). Collection method: clinical testing. Allele origin: germline.
Comment: Algorithms developed to predict the effect of missense changes on protein structure and function output the following: SIFT: "Tolerated"; PolyPhen-2: "Benign"; Align-GVGD: "Class C0". The isoleucine amino acid residue is found in multiple mammalian species, which suggests that this missense change does not adversely affect protein function. In summary, the available evidence is currently insufficient to determine the role of this variant in disease. Therefore, it has been classified as a Variant of Uncertain Significance. ClinVar contains an entry for this variant (Variation ID: 1375321). This variant is not present in population databases (gnomAD no frequency). This variant has not been reported in the literature in individuals affected with ITGA3-related conditions. This sequence change replaces threonine, which is neutral and polar, with isoleucine, which is neutral and non-polar, at codon 859 of the ITGA3 protein (p.Thr859Ile).

NM_002204.4(ITGA3):c.2576C>T (p.Thr859Ile)

Gene: ITGA3 (integrin subunit alpha 3; plus strand). Cytogenetic location: 17q21.33.
Variant type: single nucleotide variant.
Coding change: c.2576C>T on transcript NM_002204.4 (MANE Select); coding-DNA position 2576, C replaced by T.
Protein change: p.Thr859Ile; replaces threonine 859 with isoleucine.
Molecular consequence: missense variant.
Genome position (GRCh38, 1-based): chr17:50,079,251, C>T. VCF-style: chr17-50079251-C-T. GRCh37 (hg19) VCF-style: chr17-48156615-C-T.
Other names: short protein forms T859I.
Identifiers: ClinVar variation 1375321 (VCV001375321.6), dbSNP rs2144304453, ClinGen allele CA400188736.